The following is an entry in ClinVar:

ClinVar aggregate classification (germline): Likely pathogenic (1 of 4 stars; one submission).

Submission:

Labcorp Genetics (formerly Invitae), Labcorp
Classification: Likely pathogenic. Last evaluated: 2020-08-17. Review status: criteria provided, single submitter. Criteria: Invitae Variant Classification Sherloc (09022015). Collection method: clinical testing. Allele origin: germline.
Comment: In summary, the currently available evidence indicates that the variant is pathogenic, but additional data are needed to prove that conclusively. Therefore, this variant has been classified as Likely Pathogenic. Donor and acceptor splice site variants typically lead to a loss of protein function (PMID: 16199547), and loss-of-function variants in CNGB1 are known to be pathogenic (PMID: 15557452, 24043777). Algorithms developed to predict the effect of sequence changes on RNA splicing suggest that this variant may disrupt the consensus splice site, but this prediction has not been confirmed by published transcriptional studies. This variant has not been reported in the literature in individuals with CNGB1-related conditions. This variant is not present in population databases (ExAC no frequency). This sequence change affects a donor splice site in intron 22 of the CNGB1 gene. It is expected to disrupt RNA splicing and likely results in an absent or disrupted protein product.

Literature cited by the submitters: PubMed 16199547; PubMed 15557452; PubMed 24043777.

NM_001297.5(CNGB1):c.2217+1G>T

Gene: CNGB1 (cyclic nucleotide gated channel subunit beta 1; minus strand). Cytogenetic location: 16q21.
Variant type: single nucleotide variant.
Coding change: c.2217+1G>T on transcript NM_001297.5 (MANE Select); the canonical splice donor site of the intron after coding-DNA position 2217, G replaced by T.
Molecular consequence: splice donor variant.
Genome position (GRCh38, 1-based): chr16:57,916,128, C>A on the plus strand (G>T on the coding strand, the complement: CNGB1 is on the minus strand). VCF-style: chr16-57916128-C-A. GRCh37 (hg19) VCF-style: chr16-57950032-C-A.
Other names: c.2199+1G>T (NM_001286130.2).
Identifiers: ClinVar variation 1068320 (VCV001068320.7), dbSNP rs2149364126, ClinGen allele CA396063290.
Genomic context (GRCh38, chr16:57,916,128, plus strand): 5'-CCTCTGAGGCACCCCCTTCTGAAACCCCGCAGACGCTAAACCTTGCATGCCCGGCACACA[C>A]CTTGAAGCGGCGAGACTTCAGGTAGTTATTTCGCATGTCCTTTTTGTCCGTCTGAAAGAA-3'